The following is an entry in ClinVar:

NM_001164688.2(RD3):c.55A>T (p.Arg19Trp)

Gene: RD3 (RD3 regulator of GUCY2D; minus strand). Cytogenetic location: 1q32.3.
Variant type: single nucleotide variant.
Coding change: c.55A>T on transcript NM_001164688.2 (MANE Select); coding-DNA position 55, A replaced by T.
Protein change: p.Arg19Trp; replaces arginine 19 with tryptophan.
Molecular consequence: missense variant.
Genome position (GRCh38, 1-based): chr1:211,481,361, T>A on the plus strand (A>T on the coding strand, the complement: RD3 is on the minus strand). VCF-style: chr1-211481361-T-A. GRCh37 (hg19) VCF-style: chr1-211654703-T-A.
Other names: c.55A>T, p.Arg19Trp (NM_183059.3); short protein forms R19W.
Identifiers: ClinVar variation 1013705 (VCV001013705.8), dbSNP rs1705256764, ClinGen allele CA344879650.

ClinVar aggregate classification (germline): Uncertain significance (1 of 4 stars; one submission).

Conditions:
Leber congenital amaurosis 12 (LCA12). Identifiers: Orphanet 65, MedGen C1857743, MONDO:0012525, OMIM 610612.

Allele frequency attached by ClinVar (database versions not stated): gnomAD exomes 0.00001.

Submission:

Labcorp Genetics (formerly Invitae), Labcorp
Classification: Uncertain significance for Leber congenital amaurosis 12. Last evaluated: 2022-06-10. Review status: criteria provided, single submitter. Criteria: Invitae Variant Classification Sherloc (09022015). Collection method: clinical testing. Allele origin: germline.
Comment: ClinVar contains an entry for this variant (Variation ID: 1013705). This variant has not been reported in the literature in individuals affected with RD3-related conditions. This variant is not present in population databases (gnomAD no frequency). This sequence change replaces arginine, which is basic and polar, with tryptophan, which is neutral and slightly polar, at codon 19 of the RD3 protein (p.Arg19Trp). Algorithms developed to predict the effect of missense changes on protein structure and function (SIFT, PolyPhen-2, Align-GVGD) all suggest that this variant is likely to be disruptive. In summary, the available evidence is currently insufficient to determine the role of this variant in disease. Therefore, it has been classified as a Variant of Uncertain Significance. Algorithms developed to predict the effect of sequence changes on RNA splicing suggest that this variant may disrupt the consensus splice site.